The following is an entry in ClinVar:

NM_024422.6(DSC2):c.2621A>G (p.Glu874Gly)

Gene: DSC2 (desmocollin 2; minus strand). Cytogenetic location: 18q12.1.
Variant type: single nucleotide variant.
Coding change: c.2621A>G on transcript NM_024422.6 (MANE Select); coding-DNA position 2621, A replaced by G.
Protein change: p.Glu874Gly; replaces glutamic acid 874 with glycine.
Molecular consequence: missense variant. On other transcripts: 3 prime UTR variant (1).
Genome position (GRCh38, 1-based): chr18:31,068,100, T>C on the plus strand (A>G on the coding strand, the complement: DSC2 is on the minus strand). VCF-style: chr18-31068100-T-C. GRCh37 (hg19) VCF-style: chr18-28648066-T-C.
Other names: c.*123A>G (NM_004949.5); short protein forms E874G.
Identifiers: ClinVar variation 926640 (VCV000926640.4), dbSNP rs1986688160, ClinGen allele CA402110331.

ClinVar aggregate classification (germline): Uncertain significance (1 of 4 stars; one submission).

Conditions:
Cardiomyopathy (CMYO). Also called: Cardiomyopathies. Identifiers: Orphanet 167848, MedGen C0878544, MONDO:0004994, HP:0001638. Inheritance: Various modes of inheritance.

Submission:

Color Diagnostics, LLC DBA Color Health
Classification: Uncertain significance for Cardiomyopathy. Last evaluated: 2024-03-06. Review status: criteria provided, single submitter. Criteria: ACMG Guidelines, 2015. Collection method: clinical testing. Allele origin: germline.
Comment: This missense variant replaces glutamic acid with glycine at codon 874 of the DSC2 protein. Computational prediction tool suggests that this variant may not impact protein structure and function (internally defined REVEL score threshold <=0.5, PMID: 27666373). Splice site prediction tools suggest that this variant may not impact RNA splicing. To our knowledge, functional studies have not been performed for this variant. This variant has not been reported in individuals affected with cardiovascular disorders in the literature. This variant has not been identified in the general population by the Genome Aggregation Database (gnomAD). The available evidence is insufficient to determine the role of this variant in disease conclusively. Therefore, this variant is classified as a Variant of Uncertain Significance.